The following is an entry in ClinVar:

ClinVar aggregate classification (germline): Uncertain significance. Review status: criteria provided, multiple submitters, no conflicts (2 of 4 stars). 4 submissions from 4 submitters: Uncertain significance (3). 1 of the submissions does not count toward it. Last evaluated 2025-02-05.

Conditions:
Alstrom syndrome (ALMS). Identifiers: Orphanet 64, MedGen C0268425, MONDO:0008763, OMIM 203800.

Allele frequency attached by ClinVar (database versions not stated): gnomAD below 0.00001 and 0.00001; gnomAD exomes 0.00001 and 0.00004; TOPMed 0.00001; ExAC 0.00003.
gnomAD v4.1: 17 of 1,613,094 alleles (0.0011%); highest among the groups gnomAD compares: South Asian, 0.015%; no homozygotes.

Submissions (4):

Labcorp Genetics (formerly Invitae), Labcorp
Classification: Uncertain significance for Alstrom syndrome. Last evaluated: 2025-02-05. Review status: criteria provided, single submitter. Criteria: Invitae Variant Classification Sherloc (09022015). Collection method: clinical testing. Allele origin: germline.
Comment: This sequence change replaces isoleucine, which is neutral and non-polar, with methionine, which is neutral and non-polar, at codon 3459 of the ALMS1 protein (p.Ile3459Met). This variant is present in population databases (rs767799669, gnomAD 0.03%). This missense change has been observed in individual(s) with rod-cone dystrophy (PMID: 35764379). ClinVar contains an entry for this variant (Variation ID: 550131). Experimental studies and prediction algorithms are not available or were not evaluated, and the functional significance of this variant is currently unknown. In summary, the available evidence is currently insufficient to determine the role of this variant in disease. Therefore, it has been classified as a Variant of Uncertain Significance.

Blueprint Genetics
Classification: Uncertain significance. Last evaluated: 2024-09-25. Review status: criteria provided, single submitter. Criteria: ACMG Guidelines, 2015. Collection method: clinical testing. Allele origin: germline.

New York Genome Center
Classification: Uncertain significance for Alstrom syndrome. Last evaluated: 2022-11-29. Review status: criteria provided, single submitter. Criteria: NYGC Assertion Criteria 2020. Collection method: clinical testing. Allele origin: germline. Observed: 1 variant allele.
Comment: The c.10374C>G, p.(Ile3458Met) variant identified in the ALMS1 gene substitutes a moderately conserved Isoleucine for Methionine atamino acid 3458/4169 (exon 15/23; MANE select transcript NM_001378454.1). This variant is found with low frequency in population database (gnomAD,BRAVO-TOPMed, All of Us) with highest allele frequency 1.13e-5 (3 heterozygotes, 0 homozygotes, BRAVO-TOPMed), suggesting it is not a common benign variant in the populations represented in those databases. In silico algorithms do not predict this variant to be deleterious to the canonical transcript (REVEL; score=0.182). This variant is reported in ClinVar as a Variant of Uncertain Significance (VarID:550131) and to our current knowledge has not been reported in affected individuals in the literature. Given the lack of compelling evidence for its pathogenicity, the c.10374C>G, p.(Ile3458Met) variant identified in the ALMS1 gene is reported as a Variant of Uncertain Significance.

Counsyl
Classification: Uncertain significance for Alstrom syndrome. Last evaluated: 2017-01-05. Review status: no assertion criteria provided. Collection method: clinical testing. Allele origin: unknown. Not counted in ClinVar's aggregate classification.

Literature cited by the submitters: PubMed 35764379 (cited by Labcorp Genetics (formerly Invitae), Labcorp).

NM_001378454.1(ALMS1):c.10374C>G (p.Ile3458Met)

Gene: ALMS1 (ALMS1 centrosome and basal body associated protein; plus strand). Cytogenetic location: 2p13.1.
Variant type: single nucleotide variant.
Coding change: c.10374C>G on transcript NM_001378454.1 (MANE Select); coding-DNA position 10374, C replaced by G.
Protein change: p.Ile3458Met; replaces isoleucine 3458 with methionine.
Molecular consequence: missense variant.
Genome position (GRCh38, 1-based): chr2:73,559,132, C>G. VCF-style: chr2-73559132-C-G. GRCh37 (hg19) VCF-style: chr2-73786259-C-G.
Other names: c.10377C>G, p.Ile3459Met (NM_015120.4); short protein forms I3459M, I3458M.
Identifiers: ClinVar variation 550131 (VCV000550131.6), dbSNP rs767799669, ClinGen allele CA1714973.